The following is an entry in ClinVar:

NM_007294.4(BRCA1):c.5306A>C (p.Tyr1769Ser)

Gene: BRCA1 (BRCA1 DNA repair associated; minus strand). Cytogenetic location: 17q21.31.
Variant type: single nucleotide variant.
Coding change: c.5306A>C on transcript NM_007294.4 (MANE Select); coding-DNA position 5306, A replaced by C.
Protein change: p.Tyr1769Ser; replaces tyrosine 1769 with serine.
Molecular consequence: missense variant. On other transcripts: non-coding transcript variant (1).
Genome position (GRCh38, 1-based): chr17:43,051,089, T>G on the plus strand (A>C on the coding strand, the complement: BRCA1 is on the minus strand). VCF-style: chr17-43051089-T-G. GRCh37 (hg19) VCF-style: chr17-41203106-T-G.
Other names: c.5093A>C, p.Tyr1698Ser (NM_001407571.1, NM_001407899.1, NM_001407900.1 and 12 more transcripts); c.5372A>C, p.Tyr1791Ser (NM_001407581.1, NM_001407582.1); c.5369A>C, p.Tyr1790Ser (NM_001407583.1, NM_001407585.1, NM_001407587.1 and 1 more transcripts); c.5366A>C, p.Tyr1789Ser (NM_001407590.1, NM_001407591.1); c.5306A>C, p.Tyr1769Ser (NM_001407593.1, NM_001407594.1, NM_001407596.1 and 6 more transcripts); c.5303A>C, p.Tyr1768Ser (NM_001407610.1, NM_001407611.1, NM_001407612.1 and 17 more transcripts); c.5300A>C, p.Tyr1767Ser (NM_001407627.1, NM_001407628.1, NM_001407629.1 and 14 more transcripts); c.5291A>C, p.Tyr1764Ser (NM_001407647.1); and 72 more; short protein forms Y1722S, Y665S, Y1769S, Y1790S, Y1472S, Y1656S, Y1702S, Y1721S.
Identifiers: ClinVar variation 865578 (VCV000865578.3), dbSNP rs397509257, ClinGen allele CA10590936.
Genomic context (GRCh38, chr17:43,051,089, plus strand): 5'-GTGCTGGAACTCTGGGGTTCTCCCAGGCTCTTACCTGTGGGCATGTTGGTGAAGGGCCCA[T>G]AGCAACAGATTTCTAGCCCCCTGAAGATCTGGAAGAAGAGAGGAAGAGAGAGGGACAGGG-3'
Protein context (NP_009225.1, residues 1759-1779): KIFRGLEICC[Tyr1769Ser]GPFTNMPTDQ

Conditions:
Breast-ovarian cancer, familial, susceptibility to, 1 (BROVCA1). Also called: BRCA1 Hereditary Breast and Ovarian Cancer; OVARIAN CANCER, SUSCEPTIBILITY TO. Identifiers: Orphanet 145, MedGen C2676676, MONDO:0011450, OMIM 604370. Disease mechanism: loss of function.

Submission:

Brotman Baty Institute, University of Washington
No classification provided (evidence only). Condition: Breast-ovarian cancer, familial 1. Review status: no classification provided. Collection method: in vitro. Allele origin: not applicable. Functional consequence: functionally_normal.
ClinVar note: "not provided" was previously submitted as the classification for the variant. However, the classification appeared to be based only on an observation of functional data so it was converted to no classification on 2025-07-30.